The following is an entry in ClinVar:

NM_005359.6(SMAD4):c.454+4G>A

Gene: SMAD4 (SMAD family member 4; plus strand). Cytogenetic location: 18q21.2.
Variant type: single nucleotide variant.
Coding change: c.454+4G>A on transcript NM_005359.6 (MANE Select); 4 bases into the intron after coding-DNA position 454, G replaced by A.
Molecular consequence: intron variant.
Genome position (GRCh38, 1-based): chr18:51,049,328, G>A. VCF-style: chr18-51049328-G-A. GRCh37 (hg19) VCF-style: chr18-48575698-G-A.
Identifiers: ClinVar variation 1024012 (VCV001024012.9), dbSNP rs1909638891, ClinGen allele CA2302972867.

ClinVar aggregate classification (germline): Uncertain significance (1 of 4 stars; one submission).

Conditions:
Juvenile polyposis syndrome (JPS). Identifiers: Orphanet 2929, MedGen C0345893, MONDO:0017380, OMIM 174900.

Submission:

Labcorp Genetics (formerly Invitae), Labcorp
Classification: Uncertain significance for Juvenile polyposis syndrome. Last evaluated: 2023-10-16. Review status: criteria provided, single submitter. Criteria: Invitae Variant Classification Sherloc (09022015). Collection method: clinical testing. Allele origin: germline.
Comment: This sequence change falls in intron 4 of the SMAD4 gene. It does not directly change the encoded amino acid sequence of the SMAD4 protein. It affects a nucleotide within the consensus splice site. This variant is not present in population databases (gnomAD no frequency). This variant has not been reported in the literature in individuals affected with SMAD4-related conditions. ClinVar contains an entry for this variant (Variation ID: 1024012). Variants that disrupt the consensus splice site are a relatively common cause of aberrant splicing (PMID: 17576681, 9536098). Algorithms developed to predict the effect of sequence changes on RNA splicing suggest that this variant is not likely to affect RNA splicing. In summary, the available evidence is currently insufficient to determine the role of this variant in disease. Therefore, it has been classified as a Variant of Uncertain Significance.

Literature cited by the submitters: PubMed 17576681; PubMed 9536098.